The following is an entry in ClinVar:

ClinVar aggregate classification (germline): Uncertain significance (1 of 4 stars; one submission).

Conditions:
Nemaline myopathy 7 (NEM7). Also called: Nemaline myopathy 7, autosomal recessive. Identifiers: Orphanet 171436, MedGen C1853154, MONDO:0012538, OMIM 610687.

Allele frequency attached by ClinVar (database versions not stated): gnomAD exomes below 0.00001.
gnomAD v4.1: 1 of 1,613,186 alleles (0.000062%); highest among the groups gnomAD compares: Non-Finnish European, 0.000085%; no homozygotes.

Submission:

Labcorp Genetics (formerly Invitae), Labcorp
Classification: Uncertain significance for Nemaline myopathy 7. Last evaluated: 2022-10-04. Review status: criteria provided, single submitter. Criteria: Invitae Variant Classification Sherloc (09022015). Collection method: clinical testing. Allele origin: germline.
Comment: In summary, the available evidence is currently insufficient to determine the role of this variant in disease. Therefore, it has been classified as a Variant of Uncertain Significance. Algorithms developed to predict the effect of missense changes on protein structure and function are either unavailable or do not agree on the potential impact of this missense change (SIFT: "Deleterious"; PolyPhen-2: "Benign"; Align-GVGD: "Class C55"). ClinVar contains an entry for this variant (Variation ID: 1355538). This variant has not been reported in the literature in individuals affected with CFL2-related conditions. This variant is not present in population databases (gnomAD no frequency). This sequence change replaces glutamic acid, which is acidic and polar, with lysine, which is basic and polar, at codon 90 of the CFL2 protein (p.Glu90Lys).

NM_138638.5(CFL2):c.268G>A (p.Glu90Lys)

Gene: CFL2 (cofilin 2; minus strand). Cytogenetic location: 14q13.1.
Variant type: single nucleotide variant.
Coding change: c.268G>A on transcript NM_138638.5 (MANE Select); coding-DNA position 268, G replaced by A.
Protein change: p.Glu90Lys; replaces glutamic acid 90 with lysine.
Molecular consequence: missense variant.
Genome position (GRCh38, 1-based): chr14:34,713,297, C>T on the plus strand (G>A on the coding strand, the complement: CFL2 is on the minus strand). VCF-style: chr14-34713297-C-T. GRCh37 (hg19) VCF-style: chr14-35182503-C-T.
Other names: c.217G>A, p.Glu73Lys (NM_001243645.2); c.268G>A, p.Glu90Lys (NM_021914.8); short protein forms E73K, E90K.
Identifiers: ClinVar variation 1355538 (VCV001355538.8), dbSNP rs879148457, ClinGen allele CA258735338.